The following is an entry in ClinVar:

NM_033305.3(VPS13A):c.416_417del (p.Phe139fs)

Gene: VPS13A (vacuolar protein sorting 13 homolog A; plus strand). Cytogenetic location: 9q21.2.
Variant type: Deletion.
Coding change: c.416_417del on transcript NM_033305.3 (MANE Select); coding-DNA positions 416 to 417, 2 bases deleted (TT; older notation c.416_417delTT).
Protein change: p.Phe139fs; shifts the reading frame from phenylalanine 139.
Molecular consequence: frameshift variant.
Genome position (GRCh38, 1-based): chr9:77,209,453-77,209,454, TT deleted; deleting any 2 consecutive bases within chr9:77,209,451-77,209,454 gives the same sequence; the c. name uses the placement nearest the transcript's 3' end. VCF-style (leftmost placement, unchanged base first): chr9-77209450-CTT-C. GRCh37 (hg19) VCF-style: chr9-79824366-CTT-C.
Other names: c.416_417del, p.Phe139fs (NM_001018037.2, NM_001018038.3, NM_015186.4); short protein forms F139fs.
Identifiers: ClinVar variation 4807224 (VCV004807224.1).

ClinVar aggregate classification (germline): Pathogenic (1 of 4 stars; one submission).

Submission:

Labcorp Genetics (formerly Invitae), Labcorp
Classification: Pathogenic. Last evaluated: 2025-03-22. Review status: criteria provided, single submitter. Criteria: Invitae Variant Classification Sherloc (09022015). Collection method: clinical testing. Allele origin: germline.
Comment: This sequence change creates a premature translational stop signal (p.Phe139Cysfs*24) in the VPS13A gene. It is expected to result in an absent or disrupted protein product. Loss-of-function variants in VPS13A are known to be pathogenic (PMID: 12404112, 21598378). This variant is not present in population databases (gnomAD no frequency). This variant has not been reported in the literature in individuals affected with VPS13A-related conditions. For these reasons, this variant has been classified as Pathogenic.

Literature cited by the submitters: PubMed 12404112; PubMed 21598378.